The following is an entry in ClinVar:

ClinVar aggregate classification (germline): Conflicting classifications of pathogenicity. Review status: criteria provided, conflicting classifications (1 of 4 stars). 4 submissions from 4 submitters: Likely pathogenic (1); Uncertain significance (2). 1 of the submissions does not count toward it. Last evaluated 2022-02-11.

Conditions:
Developmental and epileptic encephalopathy. Identifiers: MedGen C5779964, MONDO:0100620.
Early Myoclonic Encephalopathy. Identifiers: MedGen C0270855.
SLC25A22-related disorder. Also called: SLC25A22-related condition.

gnomAD v4.1: 2 of 1,612,958 alleles (0.00012%); highest among the groups gnomAD compares: Non-Finnish European, 0.00017%; no homozygotes.

Submissions (4):

Blueprint Genetics
Classification: Likely pathogenic for SLC25A22-related disorders. Last evaluated: 2022-02-11. Review status: criteria provided, single submitter. Criteria: ACMG Guidelines, 2015. Collection method: clinical testing. Allele origin: germline. Affected: yes. Observed: 2 variant alleles.

Labcorp Genetics (formerly Invitae), Labcorp
Classification: Uncertain significance for Early-infantile DEE. Last evaluated: 2021-10-20. Review status: criteria provided, single submitter. Criteria: Invitae Variant Classification Sherloc (09022015). Collection method: clinical testing. Allele origin: germline.
Comment: In summary, the available evidence is currently insufficient to determine the role of this variant in disease. Therefore, it has been classified as a Variant of Uncertain Significance. Algorithms developed to predict the effect of missense changes on protein structure and function (SIFT, PolyPhen-2, Align-GVGD) all suggest that this variant is likely to be disruptive. This missense change has been observed in individuals with early infantile epileptic encephalopathy (PMID: 28454995). This variant is not present in population databases (ExAC no frequency). This sequence change replaces arginine with tryptophan at codon 252 of the SLC25A22 protein (p.Arg252Trp). The arginine residue is highly conserved and there is a moderate physicochemical difference between arginine and tryptophan.

ARUP Laboratories, Molecular Genetics and Genomics, ARUP Laboratories
Classification: Uncertain significance. Last evaluated: 2018-05-30. Review status: criteria provided, single submitter. Criteria: ARUP Molecular Germline Variant Investigation Process. Collection method: clinical testing. Allele origin: germline.
Comment: The SLC25A22 c.754C>T; p.Arg252Trp variant is reported in an individual with infantile epileptic encephalopathy in the homozygous state (Alfares 2017). This variant is absent from general population databases (1000 Genomes Project, Exome Variant Server, and Genome Aggregation Database), indicating it is not a common polymorphism. The arginine at codon 252 is conserved and computational algorithms (PolyPhen-2, SIFT) predict this variant is deleterious. Considering available information, there is insufficient to classify this variant with certainty. Pathogenic SLC25A22 variants are causative for autosomal recessive early infantile epileptic encephalopathy (MIM: 609304). References: Alfares A et al. A multicenter clinical exome study in unselected cohorts from a consanguineous population of Saudi Arabia demonstrated a high diagnostic yield. Mol Genet Metab. 2017 Jun;121(2):91-95.

Biochemical Molecular Genetic Laboratory, King Abdulaziz Medical City
Classification: Likely pathogenic for Developmental and epileptic encephalopathy, 3. Last evaluated: 2019-09-26. Review status: no assertion criteria provided. Collection method: clinical testing. Allele origin: germline. Affected: yes. Not counted in ClinVar's aggregate classification.

Literature cited by the submitters: PubMed 28454995 (cited by Labcorp Genetics (formerly Invitae), Labcorp).

NM_001191061.2(SLC25A22):c.754C>T (p.Arg252Trp)

Gene: SLC25A22 (solute carrier family 25 member 22; minus strand). Cytogenetic location: 11p15.5.
Variant type: single nucleotide variant.
Coding change: c.754C>T on transcript NM_001191061.2 (MANE Select); coding-DNA position 754, C replaced by T.
Protein change: p.Arg252Trp; replaces arginine 252 with tryptophan.
Molecular consequence: missense variant.
Genome position (GRCh38, 1-based): chr11:792,206, G>A on the plus strand (C>T on the coding strand, the complement: SLC25A22 is on the minus strand). VCF-style: chr11-792206-G-A. GRCh37 (hg19) VCF-style: chr11-792206-G-A.
Other names: c.754C>T, p.Arg252Trp (NM_001191060.2, NM_024698.6); short protein forms R252W.
Identifiers: ClinVar variation 569303 (VCV000569303.14), dbSNP rs1388811021, ClinGen allele CA378967954.